The following is an entry in ClinVar:

NM_020928.2(ZSWIM6):c.1439G>A (p.Trp480Ter)

Gene: ZSWIM6 (zinc finger SWIM-type containing 6; plus strand). Cytogenetic location: 5q12.1.
Variant type: single nucleotide variant.
Coding change: c.1439G>A on transcript NM_020928.2 (MANE Select); coding-DNA position 1439, G replaced by A.
Protein change: p.Trp480Ter; replaces tryptophan 480 with a stop codon.
Molecular consequence: nonsense.
Genome position (GRCh38, 1-based): chr5:61,521,368, G>A. VCF-style: chr5-61521368-G-A. GRCh37 (hg19) VCF-style: chr5-60817195-G-A.
Other names: short protein forms W480*.
Identifiers: ClinVar variation 3253146 (VCV003253146.1), dbSNP rs2478333315.

ClinVar aggregate classification (germline): Uncertain significance (1 of 4 stars; one submission).

Submission:

GeneDx
Classification: Uncertain significance. Last evaluated: 2023-12-10. Review status: criteria provided, single submitter. Criteria: GeneDx Variant Classification Process June 2021. Collection method: clinical testing. Allele origin: germline. Affected: yes.
Comment: Reported in a patient with cerebral palsy; however, additional clinical information and familial segregation information were not provided (PMID: 34114234); Nonsense variant predicted to result in protein truncation or nonsense mediated decay in a gene for which loss of function is not a well-established mechanism of disease; Not observed at significant frequency in large population cohorts (gnomAD); This variant is associated with the following publications: (PMID: 34114234)